The following is an entry in ClinVar:

NM_138691.3(TMC1):c.257A>G (p.Glu86Gly)

Gene: TMC1 (transmembrane channel like 1; plus strand). Cytogenetic location: 9q21.13.
Variant type: single nucleotide variant.
Coding change: c.257A>G on transcript NM_138691.3 (MANE Select); coding-DNA position 257, A replaced by G.
Protein change: p.Glu86Gly; replaces glutamic acid 86 with glycine.
Molecular consequence: missense variant.
Genome position (GRCh38, 1-based): chr9:72,700,538, A>G. VCF-style: chr9-72700538-A-G. GRCh37 (hg19) VCF-style: chr9-75315454-A-G.
Other names: short protein forms E86G.
Identifiers: ClinVar variation 2501855 (VCV002501855.1), dbSNP rs1588038557, ClinGen allele CA373724428.

ClinVar aggregate classification (germline): Uncertain significance (1 of 4 stars; one submission).

Submission:

GeneDx
Classification: Uncertain significance. Last evaluated: 2022-11-09. Review status: criteria provided, single submitter. Criteria: GeneDx Variant Classification Process June 2021. Collection method: clinical testing. Allele origin: germline. Affected: yes.
Comment: Not observed at significant frequency in large population cohorts (gnomAD); In silico analysis supports that this missense variant has a deleterious effect on protein structure/function; Has not been previously published as pathogenic or benign to our knowledge